The following is an entry in ClinVar:

NM_014396.4(VPS41):c.1176_1177del (p.His392fs)

Gene: VPS41 (VPS41 subunit of HOPS complex; minus strand). Cytogenetic location: 7p14.1.
Variant type: Deletion.
Coding change: c.1176_1177del on transcript NM_014396.4 (MANE Select); coding-DNA positions 1176 to 1177, 2 bases deleted (TA; older notation c.1176_1177delTA).
Protein change: p.His392fs; shifts the reading frame from histidine 392.
Molecular consequence: frameshift variant.
Genome position (GRCh38, 1-based): chr7:38,771,206-38,771,207, TA deleted on the plus strand (TA on the coding strand, the reverse complement: VPS41 is on the minus strand); deleting any 2 consecutive bases within chr7:38,771,206-38,771,208 gives the same sequence; the c. name uses the placement nearest the transcript's 3' end. VCF-style (leftmost placement, unchanged base first): chr7-38771205-TTA-T. GRCh37 (hg19) VCF-style: chr7-38810805-TTA-T.
Other names: c.1101_1102del, p.His367fs (NM_080631.4); short protein forms H367fs, H392fs.
Identifiers: ClinVar variation 3378194 (VCV003378194.1).
Genomic context (GRCh38, chr7:38,771,205, plus strand): 5'-TATAACTTATTGAAAGATAAAATTATGTTTCAAATAACAAATTGCACACTTACCAGAATC[TTA>T]TGTCTTTTAATATTTTTTTGGCTAATTTCAGCTGCCATCAATGCTTCCTTTATTCCAAAC-3'

ClinVar aggregate classification (germline): Uncertain significance (1 of 4 stars; one submission).

Submission:

GeneDx
Classification: Uncertain significance. Last evaluated: 2024-05-13. Review status: criteria provided, single submitter. Criteria: GeneDx Variant Classification Process June 2021. Collection method: clinical testing. Allele origin: germline. Affected: yes.
Comment: Frameshift variant predicted to result in protein truncation or nonsense mediated decay in a gene for which loss of function is a known mechanism of disease; Has not been previously published as pathogenic or benign to our knowledge